The following is an entry in ClinVar:

ClinVar aggregate classification (germline): Uncertain significance (1 of 4 stars; one submission).

gnomAD v4.1: 4 of 1,613,350 alleles (0.00025%); highest among the groups gnomAD compares: East Asian, 0.0045%; no homozygotes.

Submission:

Ambry Genetics
Classification: Uncertain significance. Last evaluated: 2026-06-24. Review status: criteria provided, single submitter. Criteria: Ambry Variant Classification Scheme 2023. Collection method: clinical testing. Allele origin: germline.
Comment: The c.3875C>T (p.T1292M) alteration is located in exon 30 (coding exon 30) of the ITPR3 gene. This alteration results from a C to T substitution at nucleotide position 3875, causing the threonine (T) at amino acid position 1292 to be replaced by a methionine (M). Based on data from gnomAD, the T allele has an overall frequency of <0.001% (1/279768) total alleles studied. The highest observed frequency was 0.004% (1/24660) of African alleles. Based on insufficient or conflicting evidence, the clinical significance of this alteration remains unclear.

NM_002224.4(ITPR3):c.3875C>T (p.Thr1292Met)

Gene: ITPR3 (inositol 1,4,5-trisphosphate receptor type 3; plus strand). Cytogenetic location: 6p21.31.
Variant type: single nucleotide variant.
Coding change: c.3875C>T on transcript NM_002224.4 (MANE Select); coding-DNA position 3875, C replaced by T.
Protein change: p.Thr1292Met; replaces threonine 1292 with methionine.
Molecular consequence: missense variant.
Genome position (GRCh38, 1-based): chr6:33,678,742, C>T. VCF-style: chr6-33678742-C-T. GRCh37 (hg19) VCF-style: chr6-33646519-C-T.
Other names: short protein forms T1292M.
Identifiers: ClinVar variation 5022858 (VCV005022858.1).